The following is an entry in ClinVar:

ClinVar aggregate classification (germline): Uncertain significance (1 of 4 stars; one submission).

Allele frequency attached by ClinVar (database versions not stated): gnomAD 0.00001.
gnomAD v4.1: 4 of 1,583,910 alleles (0.00025%); highest among the groups gnomAD compares: Non-Finnish European, 0.00034%; no homozygotes.

Submission:

Ambry Genetics
Classification: Uncertain significance. Last evaluated: 2024-06-24. Review status: criteria provided, single submitter. Criteria: Ambry Variant Classification Scheme 2023. Collection method: clinical testing. Allele origin: germline.
Comment: The p.G1979A variant (also known as c.5936G>C), located in coding exon 18 of the POLQ gene, results from a G to C substitution at nucleotide position 5936. The glycine at codon 1979 is replaced by alanine, an amino acid with similar properties. This amino acid position is conserved. In addition, this alteration is predicted to be tolerated by in silico analysis. Since supporting evidence is limited at this time, the clinical significance of this alteration remains unclear.

NM_199420.4(POLQ):c.5936G>C (p.Gly1979Ala)

Gene: POLQ (DNA polymerase theta; minus strand). Cytogenetic location: 3q13.33.
Variant type: single nucleotide variant.
Coding change: c.5936G>C on transcript NM_199420.4 (MANE Select); coding-DNA position 5936, G replaced by C.
Protein change: p.Gly1979Ala; replaces glycine 1979 with alanine.
Molecular consequence: missense variant.
Genome position (GRCh38, 1-based): chr3:121,483,420, C>G on the plus strand (G>C on the coding strand, the complement: POLQ is on the minus strand). VCF-style: chr3-121483420-C-G. GRCh37 (hg19) VCF-style: chr3-121202267-C-G.
Other names: short protein forms G1979A.
Identifiers: ClinVar variation 1750597 (VCV001750597.3), dbSNP rs1055365087, ClinGen allele CA81831321.